The following is an entry in ClinVar:

NM_001379500.1(COL18A1):c.3509C>T (p.Ala1170Val)

Genes: COL18A1 (collagen type XVIII alpha 1 chain; plus strand), SLC19A1 (solute carrier family 19 member 1; minus strand). Cytogenetic location: 21q22.3.
Variant type: single nucleotide variant.
Coding change: c.3509C>T on transcript NM_001379500.1 (MANE Select); coding-DNA position 3509, C replaced by T.
Protein change: p.Ala1170Val; replaces alanine 1170 with valine.
Molecular consequence: missense variant.
Genome position (GRCh38, 1-based): chr21:45,510,077, C>T. VCF-style: chr21-45510077-C-T. GRCh37 (hg19) VCF-style: chr21-46929991-C-T.
Other names: c.4040C>T, p.Ala1347Val (NM_030582.4); c.4745C>T, p.Ala1582Val (NM_130444.3); short protein forms A1582V, A1170V, A1347V.
Identifiers: ClinVar variation 1524813 (VCV001524813.5), dbSNP rs764992394, ClinGen allele CA10067937.

ClinVar aggregate classification (germline): Uncertain significance (1 of 4 stars; one submission).

Allele frequency attached by ClinVar (database versions not stated): gnomAD exomes 0.00001; ExAC 0.00005.
gnomAD v4.1: 14 of 1,575,164 alleles (0.00089%); highest among the groups gnomAD compares: Non-Finnish European, 0.0012%; no homozygotes.

Submission:

Labcorp Genetics (formerly Invitae), Labcorp
Classification: Uncertain significance. Last evaluated: 2025-07-14. Review status: criteria provided, single submitter. Criteria: Invitae Variant Classification Sherloc (09022015). Collection method: clinical testing. Allele origin: germline.
Comment: This sequence change replaces alanine, which is neutral and non-polar, with valine, which is neutral and non-polar, at codon 1167 of the COL18A1 protein (p.Ala1167Val). The frequency data for this variant in the population databases is considered unreliable, as metrics indicate poor data quality at this position in the gnomAD database. This variant has not been reported in the literature in individuals affected with COL18A1-related conditions. ClinVar contains an entry for this variant (Variation ID: 1524813). Experimental studies and prediction algorithms are not available or were not evaluated, and the functional significance of this variant is currently unknown. In summary, the available evidence is currently insufficient to determine the role of this variant in disease. Therefore, it has been classified as a Variant of Uncertain Significance.